The following is an entry in ClinVar:

ClinVar aggregate classification (germline): Benign (1 of 4 stars; one submission).

Allele frequency attached by ClinVar (database versions not stated): gnomAD exomes 0.00057; gnomAD 0.00312; TOPMed 0.00343; 1000 Genomes Project 0.00479; 1000 Genomes Project 30x 0.00484.
gnomAD v4.1: 524 of 233,270 alleles (0.22%); highest among the groups gnomAD compares: African/African-American, 1%; 7 homozygotes.

Submission:

CeGaT Center for Human Genetics Tuebingen
Classification: Benign. Last evaluated: 2023-07-01. Review status: criteria provided, single submitter. Criteria: CeGaT Center For Human Genetics Tuebingen Variant Classification Criteria Version 2. Collection method: clinical testing. Allele origin: germline. Affected: yes. Observed: 1 variant allele.
Comment: TSC1: BS1, BS2

NM_000368.5(TSC1):c.*2437G>A

Gene: TSC1 (TSC complex subunit 1; minus strand). Cytogenetic location: 9q34.13.
Variant type: single nucleotide variant.
Coding change: c.*2437G>A on transcript NM_000368.5 (MANE Select); 2437 bases downstream of the stop codon, G replaced by A.
Molecular consequence: 3 prime UTR variant. On other transcripts: non-coding transcript variant (5).
Genome position (GRCh38, 1-based): chr9:132,893,798, C>T on the plus strand (G>A on the coding strand, the complement: TSC1 is on the minus strand). VCF-style: chr9-132893798-C-T. GRCh37 (hg19) VCF-style: chr9-135769185-C-T.
Other names: c.*2437G>A (NM_001162426.2, NM_001162427.2, NM_001362177.2 and 39 more transcripts).
Identifiers: ClinVar variation 2579077 (VCV002579077.25), dbSNP rs149587565, ClinGen allele CA200923895.